The following is an entry in ClinVar:

NM_002103.5(GYS1):c.98C>G (p.Ala33Gly)

Gene: GYS1 (glycogen synthase 1; minus strand). Cytogenetic location: 19q13.33.
Variant type: single nucleotide variant.
Coding change: c.98C>G on transcript NM_002103.5 (MANE Select); coding-DNA position 98, C replaced by G.
Protein change: p.Ala33Gly; replaces alanine 33 with glycine.
Molecular consequence: missense variant. On other transcripts: non-coding transcript variant (1).
Genome position (GRCh38, 1-based): chr19:48,993,015, G>C on the plus strand (C>G on the coding strand, the complement: GYS1 is on the minus strand). VCF-style: chr19-48993015-G-C. GRCh37 (hg19) VCF-style: chr19-49496272-G-C.
Other names: c.98C>G, p.Ala33Gly (NM_001161587.2); short protein forms A33G.
Identifiers: ClinVar variation 3006272 (VCV003006272.3), dbSNP rs773653130, ClinGen allele CA9563464.

ClinVar aggregate classification (germline): Uncertain significance (1 of 4 stars; one submission).

Conditions:
Glycogen storage disease due to muscle and heart glycogen synthase deficiency. Also called: GSD 0b; MUSCLE GLYCOGEN SYNTHASE DEFICIENCY. Identifiers: Orphanet 137625, MedGen C1969054, MONDO:0012693, OMIM 611556.

Allele frequency attached by ClinVar (database versions not stated): ExAC 0.00001; gnomAD 0.00001.

Submission:

Labcorp Genetics (formerly Invitae), Labcorp
Classification: Uncertain significance for Glycogen storage disease due to muscle and heart glycogen synthase deficiency. Last evaluated: 2024-02-05. Review status: criteria provided, single submitter. Criteria: Invitae Variant Classification Sherloc (09022015). Collection method: clinical testing. Allele origin: germline.
Comment: This sequence change replaces alanine, which is neutral and non-polar, with glycine, which is neutral and non-polar, at codon 33 of the GYS1 protein (p.Ala33Gly). This variant is present in population databases (rs773653130, gnomAD 0.0009%). This variant has not been reported in the literature in individuals affected with GYS1-related conditions. Advanced modeling of protein sequence and biophysical properties (such as structural, functional, and spatial information, amino acid conservation, physicochemical variation, residue mobility, and thermodynamic stability) performed at Invitae indicates that this missense variant is not expected to disrupt GYS1 protein function with a negative predictive value of 80%. In summary, the available evidence is currently insufficient to determine the role of this variant in disease. Therefore, it has been classified as a Variant of Uncertain Significance.